The following is an entry in ClinVar:

NM_001031710.3(KLHL7):c.1379+1G>A

Gene: KLHL7 (kelch like family member 7; plus strand). Cytogenetic location: 7p15.3.
Variant type: single nucleotide variant.
Coding change: c.1379+1G>A on transcript NM_001031710.3 (MANE Select); the canonical splice donor site of the intron after coding-DNA position 1379, G replaced by A.
Molecular consequence: splice donor variant.
Genome position (GRCh38, 1-based): chr7:23,168,038, G>A. VCF-style: chr7-23168038-G-A. GRCh37 (hg19) VCF-style: chr7-23207657-G-A.
Other names: c.1235+1G>A (NM_018846.5).
Identifiers: ClinVar variation 850444 (VCV000850444.9), dbSNP rs766950664, ClinGen allele CA4186595.

ClinVar aggregate classification (germline): Likely pathogenic. Review status: criteria provided, multiple submitters, no conflicts (2 of 4 stars). 2 submissions from 2 submitters: Likely pathogenic (2). Last evaluated 2024-04-03.

Conditions:
KLHL7-related disorder. Also called: KLHL7-related condition; KLHL7-related disorders.

Allele frequency attached by ClinVar (database versions not stated): TOPMed below 0.00001; ExAC 0.00001; gnomAD 0.00001; gnomAD exomes 0.00003.
gnomAD v4.1: 41 of 1,612,060 alleles (0.0025%); highest among the groups gnomAD compares: Admixed American, 0.005%; no homozygotes.

Submissions (2):

Labcorp Genetics (formerly Invitae), Labcorp
Classification: Likely pathogenic. Last evaluated: 2024-04-03. Review status: criteria provided, single submitter. Criteria: Invitae Variant Classification Sherloc (09022015). Collection method: clinical testing. Allele origin: germline.
Comment: This sequence change affects a donor splice site in intron 9 of the KLHL7 gene. It is expected to disrupt RNA splicing. Variants that disrupt the donor or acceptor splice site typically lead to a loss of protein function (PMID: 16199547), and loss-of-function variants in KLHL7 are known to be pathogenic (PMID: 27392078, 29074562, 30426380, 31953236). This variant is present in population databases (rs766950664, gnomAD 0.02%). This variant has not been reported in the literature in individuals affected with KLHL7-related conditions. ClinVar contains an entry for this variant (Variation ID: 850444). Algorithms developed to predict the effect of sequence changes on RNA splicing suggest that this variant may disrupt the consensus splice site. In summary, the currently available evidence indicates that the variant is pathogenic, but additional data are needed to prove that conclusively. Therefore, this variant has been classified as Likely Pathogenic.

Blueprint Genetics
Classification: Likely pathogenic for KLHL7-related disorders. Last evaluated: 2021-04-29. Review status: criteria provided, single submitter. Criteria: ACMG Guidelines, 2015. Collection method: clinical testing. Allele origin: germline. Affected: yes. Observed: 2 variant alleles.

Literature cited by the submitters: PubMed 16199547 (cited by Labcorp Genetics (formerly Invitae), Labcorp); PubMed 27392078 (cited by Labcorp Genetics (formerly Invitae), Labcorp); PubMed 29074562 (cited by Labcorp Genetics (formerly Invitae), Labcorp); PubMed 30426380 (cited by Labcorp Genetics (formerly Invitae), Labcorp); PubMed 31953236 (cited by Labcorp Genetics (formerly Invitae), Labcorp).